The following is an entry in ClinVar:

NM_004385.5(VCAN):c.4580C>T (p.Thr1527Ile)

Genes: VCAN (versican; plus strand), VCAN-AS1 (VCAN antisense RNA 1; minus strand). Cytogenetic location: 5q14.3.
Variant type: single nucleotide variant.
Coding change: c.4580C>T on transcript NM_004385.5 (MANE Select); coding-DNA position 4580, C replaced by T.
Protein change: p.Thr1527Ile; replaces threonine 1527 with isoleucine.
Molecular consequence: missense variant. On other transcripts: intron variant (2).
Genome position (GRCh38, 1-based): chr5:83,537,583, C>T. VCF-style: chr5-83537583-C-T. GRCh37 (hg19) VCF-style: chr5-82833402-C-T.
Other names: c.1619C>T, p.Thr540Ile (NM_001164097.2); c.4004-7954C>T (NM_001164098.2); c.1043-7954C>T (NM_001126336.3); short protein forms T1527I, T540I.
Identifiers: ClinVar variation 1024151 (VCV001024151.6), dbSNP rs758408994, ClinGen allele CA3333195.

ClinVar aggregate classification (germline): Uncertain significance (1 of 4 stars; one submission).

Allele frequency attached by ClinVar (database versions not stated): gnomAD exomes below 0.00001; ExAC 0.00001; gnomAD 0.00001; TOPMed 0.00001.
gnomAD v4.1: 2 of 1,613,650 alleles (0.00012%); highest among the groups gnomAD compares: African/African-American, 0.0013%; no homozygotes.

Submission:

Labcorp Genetics (formerly Invitae), Labcorp
Classification: Uncertain significance. Last evaluated: 2022-12-31. Review status: criteria provided, single submitter. Criteria: Invitae Variant Classification Sherloc (09022015). Collection method: clinical testing. Allele origin: germline.
Comment: This sequence change replaces threonine, which is neutral and polar, with isoleucine, which is neutral and non-polar, at codon 1527 of the VCAN protein (p.Thr1527Ile). In summary, the available evidence is currently insufficient to determine the role of this variant in disease. Therefore, it has been classified as a Variant of Uncertain Significance. Algorithms developed to predict the effect of missense changes on protein structure and function (SIFT, PolyPhen-2, Align-GVGD) all suggest that this variant is likely to be tolerated. ClinVar contains an entry for this variant (Variation ID: 1024151). This variant has not been reported in the literature in individuals affected with VCAN-related conditions. The frequency data for this variant in the population databases is considered unreliable, as metrics indicate poor data quality at this position in the gnomAD database.